The following is an entry in ClinVar:

ClinVar aggregate classification (germline): Uncertain significance. Review status: criteria provided, multiple submitters, no conflicts (2 of 4 stars). 2 submissions from 2 submitters: Uncertain significance (2). Last evaluated 2026-05-15.

Submissions (2):

Women's Health and Genetics/Laboratory Corporation of America, LabCorp
Classification: Uncertain significance. Last evaluated: 2026-05-15. Review status: criteria provided, single submitter. Criteria: LabCorp Variant Classification Summary - May 2015. Collection method: clinical testing. Allele origin: germline.
Comment: Variant summary: PKD1 c.1019G>A (p.Gly340Glu) results in a non-conservative amino acid change in the encoded protein sequence. Algorithms developed to predict the effect of missense changes on protein structure and function are either unavailable or do not agree on the potential impact of this missense change. The variant allele was found at a frequency of 7.5e-06 in 132902 control chromosomes. The available data on variant occurrences in the general population are insufficient to allow any conclusion about variant significance. To our knowledge, no occurrence of c.1019G>A in individuals affected with PKD1-related conditions and no experimental evidence demonstrating its impact on protein function have been reported. ClinVar contains an entry for this variant (Variation ID: 1706298). Based on the evidence outlined above, the variant was classified as uncertain significance.

GeneDx
Classification: Uncertain significance. Last evaluated: 2022-03-15. Review status: criteria provided, single submitter. Criteria: GeneDx Variant Classification Process June 2021. Collection method: clinical testing. Allele origin: germline. Affected: yes.
Comment: Not observed at significant frequency in large population cohorts (gnomAD); In silico analysis supports that this missense variant does not alter protein structure/function; Has not been previously published as pathogenic or benign to our knowledge

NM_001009944.3(PKD1):c.1019G>A (p.Gly340Glu)

Gene: PKD1 (polycystin 1, transient receptor potential channel interacting; minus strand). Cytogenetic location: 16p13.3.
Variant type: single nucleotide variant.
Coding change: c.1019G>A on transcript NM_001009944.3 (MANE Select); coding-DNA position 1019, G replaced by A.
Protein change: p.Gly340Glu; replaces glycine 340 with glutamic acid.
Molecular consequence: missense variant.
Genome position (GRCh38, 1-based): chr16:2,117,973, C>T on the plus strand (G>A on the coding strand, the complement: PKD1 is on the minus strand). VCF-style: chr16-2117973-C-T. GRCh37 (hg19) VCF-style: chr16-2167974-C-T.
Other names: c.1019G>A, p.Gly340Glu (NM_000296.4); short protein forms G340E.
Identifiers: ClinVar variation 1706298 (VCV001706298.3), dbSNP rs1406565745, ClinGen allele CA394393568.